The following is an entry in ClinVar:

NM_144997.7(FLCN):c.780-2A>G

Gene: FLCN (folliculin; minus strand). Cytogenetic location: 17p11.2.
Variant type: single nucleotide variant.
Coding change: c.780-2A>G on transcript NM_144997.7 (MANE Select); the canonical splice acceptor site of the intron before coding-DNA position 780, A replaced by G.
Molecular consequence: splice acceptor variant.
Genome position (GRCh38, 1-based): chr17:17,221,630, T>C on the plus strand (A>G on the coding strand, the complement: FLCN is on the minus strand). VCF-style: chr17-17221630-T-C. GRCh37 (hg19) VCF-style: chr17-17124944-T-C.
Other names: c.780-2A>G (NM_001353231.2, NM_001353230.2, NM_144606.7); c.834-2A>G (NM_001353229.2).
Identifiers: ClinVar variation 449726 (VCV000449726.20), dbSNP rs1555609514, ClinGen allele CA398533806.

ClinVar aggregate classification (germline): Pathogenic. Review status: criteria provided, multiple submitters, no conflicts (2 of 4 stars). 11 submissions from 11 submitters: Pathogenic (10). 1 of the submissions does not count toward it. Last evaluated 2026-01-27.

Conditions:
Birt-Hogg-Dube syndrome 1 (BHD1). Also called: FIBROFOLLICULOMAS WITH TRICHODISCOMAS AND ACROCHORDONS. Identifiers: Orphanet 122, MedGen CN375946, MONDO:0800445, OMIM 135150.
Hereditary cancer-predisposing syndrome. Also called: Tumor predisposition; Neoplastic Syndromes, Hereditary; Hereditary neoplastic syndrome; Hereditary Cancer Syndrome. Identifiers: Orphanet 140162, MedGen C0027672, MeSH D009386, MONDO:0015356.
Birt-Hogg-Dube syndrome. Also called: Birt Hogg Dubé syndrome. Identifiers: Orphanet 122, MedGen C0346010, MONDO:0800444.

Allele frequency attached by ClinVar (database versions not stated): gnomAD exomes below 0.00001.
gnomAD v4.1: 1 of 1,606,962 alleles (0.000062%); highest among the groups gnomAD compares: Admixed American, 0.0017%; no homozygotes.

Submissions (11):

3billion
Classification: Pathogenic for Birt-Hogg-Dube syndrome 1. Last evaluated: 2026-01-27. Review status: criteria provided, single submitter. Criteria: ACMG Guidelines, 2015. Collection method: clinical testing. Allele origin: germline. Affected: yes.
Comment: The variant is observed at an extremely low frequency in the gnomAD v4.1.0 dataset (total allele frequency: <0.001%). Predicted Consequence/Location: Canonical splice site: predicted to alter splicing and result in a loss or disruption of normal protein function. Multiple pathogenic loss-of-function variants are reported downstream of the variant. In silico tools predict the variant to alter splicing and produce an abnormal transcript [SpliceAI: 1.00 (spliceogenicity >=0.2, non-spliceogenicity <0.1)]. The variant has been reported at least twice as pathogenic with clinical assertions and evidence for the classification (ClinVar ID: VCV000449726 /PMID: 29157599). Therefore, this variant is classified as Pathogenic according to the recommendation of ACMG/AMP guideline.

Myriad Genetics, Inc.
Classification: Pathogenic for Birt-Hogg-Dube syndrome 1. Last evaluated: 2025-12-11. Review status: criteria provided, single submitter. Criteria: Myriad Autosomal Dominant, Autosomal Recessive and X-Linked Classification Criteria (2023). Collection method: clinical testing. Allele origin: unknown.
Comment: This variant is considered pathogenic. This variant occurs within a consensus splice junction and is predicted to result in abnormal mRNA splicing of either an out-of-frame exon or an in-frame exon necessary for protein stability and/or normal function. This variant has been reported in multiple individuals with clinical features of gene-specific disease [PMID: 37490463, 35875814, 30533232, 29157599, 28558743, 30632664].

Labcorp Genetics (formerly Invitae), Labcorp
Classification: Pathogenic for Birt-Hogg-Dube syndrome. Last evaluated: 2025-10-23. Review status: criteria provided, single submitter. Criteria: Invitae Variant Classification Sherloc (09022015). Collection method: clinical testing. Allele origin: germline.
Comment: This sequence change affects an acceptor splice site in intron 7 of the FLCN gene. RNA analysis indicates that disruption of this splice site induces altered splicing and may result in an absent or altered protein product. This variant is not present in population databases (gnomAD no frequency). Disruption of this splice site has been observed in individual(s) with Birt-Hogg-Dube syndrome (PMID: 29157599, 30533232). ClinVar contains an entry for this variant (Variation ID: 449726). Studies have shown that disruption of this splice site results in activation of a cryptic splice site and retention of intron 7, and produces a non-functional protein and/or introduces a premature termination codon (internal data). For these reasons, this variant has been classified as Pathogenic.

Variantyx, Inc.
Classification: Pathogenic for Birt-Hogg-Dube syndrome 1. Last evaluated: 2025-09-08. Review status: criteria provided, single submitter. Criteria: Variantyx Assertion Criteria 2022. Collection method: clinical testing. Allele origin: germline. Inheritance: Autosomal dominant inheritance. Affected: yes.
Comment: This is a canonical splicing variant in the FLCN gene (OMIM: 607273). Pathogenic variants in this gene have been associated with autosomal dominant Birt-Hogg-Dube syndrome. This variant has been reported in at least two affected individuals (PMID: 29157599, 30533232) (PS4), and it has a 0.0023% maximum allele frequency in non-founder control populations (PM2). Based on the current evidence, this variant is classified as pathogenic for autosomal dominant Birt-Hogg-Dube syndrome.

Women's Health and Genetics/Laboratory Corporation of America, LabCorp
Classification: Pathogenic for Birt-Hogg-Dube syndrome. Last evaluated: 2025-07-07. Review status: criteria provided, single submitter. Criteria: LabCorp Variant Classification Summary - May 2015. Collection method: clinical testing. Allele origin: germline.
Comment: Variant summary: FLCN c.780-2A>G is located in a canonical splice-site and is predicted to affect mRNA splicing resulting in a significantly altered protein due to either exon skipping, shortening, or inclusion of intronic material. Variants that disrupt the consensus splice site are a relatively common cause of aberrant splicing and loss of FLCN function. Several computational tools predict a significant impact on normal splicing: Four predict the variant abolishes a canonical 3' acceptor site. Studies have shown that disruption of this splice site results in activation of a cryptic splice site and retention of intron 7, and produces a non-functional protein and/or introduces a premature termination codon (internal data). The variant was absent in 242992 control chromosomes. c.780-2A>G has been observed in individual(s) affected with Birt-Hogg-Dube Syndrome (Volk_2018, Iwabuchi_2018). These data indicate that the variant may be associated with disease. The following publications have been ascertained in the context of this evaluation (PMID: 29157599, 30533232). ClinVar contains an entry for this variant (Variation ID: 449726). Based on the evidence outlined above, the variant was classified as pathogenic.

ARUP Laboratories, Molecular Genetics and Genomics, ARUP Laboratories
Classification: Pathogenic. Last evaluated: 2025-04-14. Review status: criteria provided, single submitter. Criteria: ARUP Molecular Germline Variant Investigation Process 2024. Collection method: clinical testing. Allele origin: germline.
Comment: The FLCN c.780-2A>G variant (rs1555609514, ClinVar Variation ID: 449726), is reported in the literature in multiple individuals affected with Birt-Hogg-Dube syndrome (Iwabuchi 2018, Sattler 2021, Volk 2018). This variant is absent from the Genome Aggregation Database (v2.1.1), indicating it is not a common polymorphism. This variant disrupts the canonical splice acceptor site of intron7, which is likely to negatively impact gene function. Based on available information, this variant is considered to be pathogenic. References: Iwabuchi C et al. Skin lesions of Birt-Hogg-DubÃ© syndrome: Clinical and histopathological findings in 31 Japanese patients who presented with pneumothorax and/or multiple lung cysts. J Dermatol Sci. 2018 Jan;89(1):77-84. PMID: 29157599. Sattler EC et al. Colorectal cancer risk in families with Birt-Hogg-DubÃ© syndrome increased. Eur J Cancer. 2021 Jul;151:168-174. PMID: 34000505. Volk C et al. Birt-Hogg-DubÃ© Syndrome Caused by a Novel Mutation in the FLCL Gene. Case Rep Genet. 2018 Nov 7;2018:4173704. PMID: 30533232.

Ambry Genetics
Classification: Pathogenic for Hereditary cancer-predisposing syndrome. Last evaluated: 2025-04-13. Review status: criteria provided, single submitter. Criteria: Ambry Variant Classification Scheme 2023. Collection method: clinical testing. Allele origin: germline.
Comment: The c.780-2A>G intronic pathogenic mutation results from an A to G substitution two nucleotides upstream from coding exon 5 in the FLCN gene. This variant was reported in multiple individuals with features consistent with Birt-Hogg-Dube syndrome (Volk C et al. Case Rep Genet, 2018 Nov;2018:4173704; Iwabuchi C et al. J Dermatol Sci, 2018 Jan;89:77-84; Sattler EC et al. Eur J Cancer, 2021 Jul;151:168-174; Ambry internal data). This nucleotide position is highly conserved in available vertebrate species. In silico splice site analysis predicts that this alteration will weaken the native splice acceptor site and will result in the creation or strengthening of a novel splice acceptor site. RNA studies have demonstrated that this alteration results in abnormal splicing in the set of samples tested (Ambry internal data). This variant is considered to be rare based on population cohorts in the Genome Aggregation Database (gnomAD). Alterations that disrupt the canonical splice site are expected to cause aberrant splicing, resulting in an abnormal protein or a transcript that is subject to nonsense-mediated mRNA decay. As such, this alteration is classified as a pathogenic mutation.

Center for Genomic Medicine, Rigshospitalet, Copenhagen University Hospital
Classification: Pathogenic. Last evaluated: 2025-03-04. Review status: criteria provided, single submitter. Criteria: ACMG Guidelines, 2015. Collection method: clinical testing. Allele origin: germline.

Mayo Clinic Laboratories, Mayo Clinic
Classification: Pathogenic. Last evaluated: 2023-05-23. Review status: criteria provided, single submitter. Criteria: ACMG Guidelines, 2015. Collection method: clinical testing. Allele origin: germline. Observed: 1 variant allele.
Comment: PP4, PM2, PVS1

GeneDx
Classification: Pathogenic. Last evaluated: 2019-07-25. Review status: criteria provided, single submitter. Criteria: GeneDx Variant Classification Process June 2021. Collection method: clinical testing. Allele origin: germline. Affected: yes.
Comment: Canonical splice site variant in a gene for which loss-of-function is a known mechanism of disease; Not observed in large population cohorts (Lek 2016); This variant is associated with the following publications: (PMID: 29157599, 30533232)

Division of Respiratory Medicine of Juntendo University, Juntendo University Faculty of Medicine and Graduate School of Medicine
Classification: Pathogenic for Birt-Hogg-Dube syndrome 1. Last evaluated: 2023-07-01. Review status: no assertion criteria provided. Collection method: clinical testing. Allele origin: germline. Affected: yes. Not counted in ClinVar's aggregate classification.

Literature cited by the submitters: PubMed 29157599 (cited by 7 submitters); PubMed 37490463 (cited by Myriad Genetics, Inc.); PubMed 35875814 (cited by Myriad Genetics, Inc.); PubMed 30533232 (cited by 7 submitters); PubMed 28558743 (cited by Myriad Genetics, Inc.); PubMed 30632664 (cited by Myriad Genetics, Inc.); PubMed 15852235 (cited by Variantyx, Inc.); PubMed 34000505 (cited by Ambry Genetics and Center for Genomic Medicine, Rigshospitalet, Copenhagen University Hospital).